The following is an entry in ClinVar:

ClinVar aggregate classification (germline): Likely benign. Review status: criteria provided, multiple submitters, no conflicts (2 of 4 stars). 2 submissions from 2 submitters: Likely benign (2). Last evaluated 2026-05-14.

Conditions:
CNNM2-related disorder. Also called: CNNM2-related condition.

gnomAD v4.1: 1 of 1,612,274 alleles (0.000062%); highest among the groups gnomAD compares: Non-Finnish European, 0.000085%; no homozygotes.

Submissions (2):

Revvity Omics, Revvity
Classification: Likely benign. Last evaluated: 2026-05-14. Review status: criteria provided, single submitter. Criteria: ACMG Guidelines, 2015. Collection method: clinical testing. Allele origin: germline.

PreventionGenetics, part of Exact Sciences
Classification: Likely benign for CNNM2-related condition. Last evaluated: 2025-06-20. Review status: criteria provided, single submitter. Criteria: ACMG Guidelines, 2015. Collection method: clinical testing. Allele origin: germline.
Comment: This variant is classified as likely benign based on ACMG/AMP sequence variant interpretation guidelines (Richards et al. 2015 PMID: 25741868, with internal and published modifications).

NM_017649.5(CNNM2):c.900T>C (p.Asn300=)

Gene: CNNM2 (cyclin and CBS domain divalent metal cation transport mediator 2; plus strand). Cytogenetic location: 10q24.32.
Variant type: single nucleotide variant.
Coding change: c.900T>C on transcript NM_017649.5 (MANE Select); coding-DNA position 900, T replaced by C.
Protein change: p.Asn300=; no amino-acid change (asparagine 300 retained).
Molecular consequence: synonymous variant.
Genome position (GRCh38, 1-based): chr10:102,919,380, T>C. VCF-style: chr10-102919380-T-C. GRCh37 (hg19) VCF-style: chr10-104679137-T-C.
Other names: c.900T>C, p.Asn300= (NM_199076.3, NM_199077.3); c.900T>C (NM_017649.4).
Identifiers: ClinVar variation 4879066 (VCV004879066.2).